The following is an entry in ClinVar:

NM_001680.5(FXYD2):c.192T>C (p.Asp64=)

Genes: FXYD2 (FXYD domain containing ion transport regulator 2; minus strand), FXYD6-FXYD2 (FXYD6-FXYD2 readthrough; minus strand). Cytogenetic location: 11q23.3.
Variant type: single nucleotide variant.
Coding change: c.192T>C on transcript NM_001680.5 (MANE Select); coding-DNA position 192, T replaced by C.
Protein change: p.Asp64=; no amino-acid change (aspartic acid 64 retained).
Molecular consequence: synonymous variant. On other transcripts: 3 prime UTR variant (1).
Genome position (GRCh38, 1-based): chr11:117,820,681, A>G on the plus strand (T>C on the coding strand, the complement: FXYD2 is on the minus strand). VCF-style: chr11-117820681-A-G. GRCh37 (hg19) VCF-style: chr11-117691396-A-G.
Other names: c.426T>C, p.Asp142= (NM_001204268.3); c.*25T>C (NM_001243598.4); c.186T>C, p.Asp62= (NM_021603.4).
Identifiers: ClinVar variation 2170273 (VCV002170273.6), dbSNP rs370215240, ClinGen allele CA6297752.

ClinVar aggregate classification (germline): Likely benign. Review status: criteria provided, single submitter (1 of 4 stars). 2 submissions from 2 submitters: Likely benign (1). 1 of the submissions does not count toward it. Last evaluated 2025-12-02.

Conditions:
FXYD6-FXYD2-related disorder. Also called: FXYD6-FXYD2-related condition.

Allele frequency attached by ClinVar (database versions not stated): ExAC 0.00005; gnomAD 0.00006; TOPMed 0.00006; ESP Exome Variant Server 0.00008; gnomAD exomes 0.00015.
gnomAD v4.1: 244 of 1,613,822 alleles (0.015%); highest among the groups gnomAD compares: Non-Finnish European, 0.018%; no homozygotes.

Submissions (2):

Labcorp Genetics (formerly Invitae), Labcorp
Classification: Likely benign. Last evaluated: 2025-12-02. Review status: criteria provided, single submitter. Criteria: Invitae Variant Classification Sherloc (09022015). Collection method: clinical testing. Allele origin: germline.

PreventionGenetics, part of Exact Sciences
Classification: Likely benign for FXYD6-FXYD2-related condition. Last evaluated: 2022-04-28. Review status: no assertion criteria provided. Collection method: clinical testing. Allele origin: germline. Not counted in ClinVar's aggregate classification.
Comment: This variant is classified as likely benign based on ACMG/AMP sequence variant interpretation guidelines (Richards et al. 2015 PMID: 25741868, with internal and published modifications).